The following is an entry in ClinVar:

ClinVar aggregate classification (germline): Uncertain significance (1 of 4 stars; one submission).

Conditions:
Developmental and epileptic encephalopathy, 36 (DEE36). Also called: Epileptic encephalopathy, early infantile, 36; ALG13-CDG; Congenital disorder of glycosylation, type Is. Identifiers: Orphanet 324422, MedGen C4317295, MONDO:0010472, OMIM 300884.

gnomAD v4.1: 1 of 1,207,489 alleles (0.000083%); highest among the groups gnomAD compares: Non-Finnish European, 0.00011%; no homozygotes.

Submission:

Labcorp Genetics (formerly Invitae), Labcorp
Classification: Uncertain significance for Developmental and epileptic encephalopathy, 36. Last evaluated: 2019-07-06. Review status: criteria provided, single submitter. Criteria: Invitae Variant Classification Sherloc (09022015). Collection method: clinical testing. Allele origin: germline.
Comment: This sequence change replaces proline with serine at codon 1061 of the ALG13 protein (p.Pro1061Ser). The proline residue is moderately conserved and there is a moderate physicochemical difference between proline and serine. In summary, the available evidence is currently insufficient to determine the role of this variant in disease. Therefore, it has been classified as a Variant of Uncertain Significance. Algorithms developed to predict the effect of missense changes on protein structure and function are either unavailable or do not agree on the potential impact of this missense change (SIFT: "Tolerated"; PolyPhen-2: "Probably Damaging"; Align-GVGD: "Class C0"). This variant has not been reported in the literature in individuals with ALG13-related conditions. This variant is not present in population databases (ExAC no frequency).

NM_001099922.3(ALG13):c.3181C>T (p.Pro1061Ser)

Gene: ALG13 (ALG13 UDP-N-acetylglucosaminyltransferase subunit; plus strand). Cytogenetic location: Xq23.
Variant type: single nucleotide variant.
Coding change: c.3181C>T on transcript NM_001099922.3 (MANE Select); coding-DNA position 3181, C replaced by T.
Protein change: p.Pro1061Ser; replaces proline 1061 with serine.
Molecular consequence: missense variant. On other transcripts: non-coding transcript variant (1).
Genome position (GRCh38, 1-based): chrX:111,759,766, C>T. VCF-style: chrX-111759766-C-T. GRCh37 (hg19) VCF-style: chrX-111002994-C-T.
Other names: c.2632C>T, p.Pro878Ser (NM_001257230.2, NM_001257234.2, NM_001257237.2); c.2947C>T, p.Pro983Ser (NM_001257231.2); c.2944C>T, p.Pro982Ser (NM_001324292.2); c.2458C>T, p.Pro820Ser (NM_001324293.1); short protein forms P982S, P983S, P1061S, P820S, P878S.
Identifiers: ClinVar variation 952277 (VCV000952277.8), dbSNP rs1945590685, ClinGen allele CA414293043.